The following is an entry in ClinVar:

ClinVar aggregate classification (germline): Uncertain significance (1 of 4 stars; one submission).

Conditions:
Hajdu-Cheney syndrome (HJCYS). Also called: ACROOSTEOLYSIS WITH OSTEOPOROSIS AND CHANGES IN SKULL AND MANDIBLE; Acroosteolysis dominant type; SERPENTINE FIBULA-POLYCYSTIC KIDNEY SYNDROME. Identifiers: Orphanet 955, MedGen C0917715, MONDO:0007057, OMIM 102500.

Allele frequency attached by ClinVar (database versions not stated): gnomAD exomes below 0.00001 and 0.00001; TOPMed below 0.00001; ExAC 0.00001; gnomAD 0.00001; 1000 Genomes Project 30x 0.00016; 1000 Genomes Project 0.00020.
gnomAD v4.1: 8 of 1,614,200 alleles (0.0005%); highest among the groups gnomAD compares: African/African-American, 0.0013%; no homozygotes.

Submission:

Labcorp Genetics (formerly Invitae), Labcorp
Classification: Uncertain significance for Hajdu-Cheney syndrome. Last evaluated: 2025-04-14. Review status: criteria provided, single submitter. Criteria: Invitae Variant Classification Sherloc (09022015). Collection method: clinical testing. Allele origin: germline.
Comment: This sequence change replaces tyrosine, which is neutral and polar, with cysteine, which is neutral and slightly polar, at codon 1593 of the NOTCH2 protein (p.Tyr1593Cys). This variant is present in population databases (rs587743026, gnomAD 0.007%). This variant has not been reported in the literature in individuals affected with NOTCH2-related conditions. ClinVar contains an entry for this variant (Variation ID: 864646). Invitae Evidence Modeling of protein sequence and biophysical properties (such as structural, functional, and spatial information, amino acid conservation, physicochemical variation, residue mobility, and thermodynamic stability) indicates that this missense variant is not expected to disrupt NOTCH2 protein function with a negative predictive value of 80%. In summary, the available evidence is currently insufficient to determine the role of this variant in disease. Therefore, it has been classified as a Variant of Uncertain Significance.

NM_024408.4(NOTCH2):c.4778A>G (p.Tyr1593Cys)

Gene: NOTCH2 (notch receptor 2; minus strand). Cytogenetic location: 1p12.
Variant type: single nucleotide variant.
Coding change: c.4778A>G on transcript NM_024408.4 (MANE Select); coding-DNA position 4778, A replaced by G.
Protein change: p.Tyr1593Cys; replaces tyrosine 1593 with cysteine.
Molecular consequence: missense variant.
Genome position (GRCh38, 1-based): chr1:119,923,718, T>C on the plus strand (A>G on the coding strand, the complement: NOTCH2 is on the minus strand). VCF-style: chr1-119923718-T-C. GRCh37 (hg19) VCF-style: chr1-120466341-T-C.
Other names: short protein forms Y1593C.
Identifiers: ClinVar variation 864646 (VCV000864646.10), dbSNP rs587743026, ClinGen allele CA1039802.
Genomic context (GRCh38, chr1:119,923,718, plus strand): 5'-TCACCAGGAAGGGATCTGCGTGTCATCCTCTGTTTCTTCATAGCAGCTGACTTCTCACCA[T>C]AATAGGGGTACACCATGAGTTCCCCCTGGGAGTCCCGCTTAATGCGCAGGTTGGTGTGGA-3'
Protein context (NP_077719.2, residues 1583-1603): SQGELMVYPY[Tyr1593Cys]GEKSAAMKKQ